The following is an entry in ClinVar:

ClinVar aggregate classification (germline): Uncertain significance (1 of 4 stars; one submission).

Allele frequency attached by ClinVar (database versions not stated): gnomAD exomes below 0.00001; TOPMed below 0.00001; ExAC 0.00001.
gnomAD v4.1: 2 of 1,610,858 alleles (0.00012%); highest among the groups gnomAD compares: South Asian, 0.0011%; no homozygotes.

Submission:

Labcorp Genetics (formerly Invitae), Labcorp
Classification: Uncertain significance. Last evaluated: 2024-10-16. Review status: criteria provided, single submitter. Criteria: Invitae Variant Classification Sherloc (09022015). Collection method: clinical testing. Allele origin: germline.
Comment: This sequence change replaces isoleucine, which is neutral and non-polar, with threonine, which is neutral and polar, at codon 350 of the GCLC protein (p.Ile350Thr). This variant is present in population databases (rs756972033, gnomAD 0.003%). This variant has not been reported in the literature in individuals affected with GCLC-related conditions. ClinVar contains an entry for this variant (Variation ID: 1486669). An algorithm developed to predict the effect of missense changes on protein structure and function (PolyPhen-2) suggests that this variant is likely to be tolerated. In summary, the available evidence is currently insufficient to determine the role of this variant in disease. Therefore, it has been classified as a Variant of Uncertain Significance.

NM_001498.4(GCLC):c.1049T>C (p.Ile350Thr)

Gene: GCLC (glutamate-cysteine ligase catalytic subunit; minus strand). Cytogenetic location: 6p12.1.
Variant type: single nucleotide variant.
Coding change: c.1049T>C on transcript NM_001498.4 (MANE Select); coding-DNA position 1049, T replaced by C.
Protein change: p.Ile350Thr; replaces isoleucine 350 with threonine.
Molecular consequence: missense variant.
Genome position (GRCh38, 1-based): chr6:53,507,515, A>G on the plus strand (T>C on the coding strand, the complement: GCLC is on the minus strand). VCF-style: chr6-53507515-A-G. GRCh37 (hg19) VCF-style: chr6-53372313-A-G.
Other names: c.935T>C, p.Ile312Thr (NM_001197115.2); short protein forms I350T, I312T.
Identifiers: ClinVar variation 1486669 (VCV001486669.6), dbSNP rs756972033, ClinGen allele CA3860186.